The following is an entry in ClinVar:

ClinVar aggregate classification (germline): Uncertain significance (1 of 4 stars; one submission).

Conditions:
Atrial fibrillation, familial, 7 (ATFB7). Identifiers: MedGen C2677106, MONDO:0012828, OMIM 612240.

Allele frequency attached by ClinVar (database versions not stated): gnomAD exomes 0.00001 and 0.00003; ExAC 0.00003; TOPMed 0.00003.
gnomAD v4.1: 12 of 1,614,092 alleles (0.00074%); highest among the groups gnomAD compares: Admixed American, 0.012%; no homozygotes.

Submission:

Labcorp Genetics (formerly Invitae), Labcorp
Classification: Uncertain significance for Atrial fibrillation, familial, 7. Last evaluated: 2025-07-09. Review status: criteria provided, single submitter. Criteria: Invitae Variant Classification Sherloc (09022015). Collection method: clinical testing. Allele origin: germline.
Comment: This sequence change creates a premature translational stop signal (p.Arg577*) in the KCNA5 gene. While this is not anticipated to result in nonsense mediated decay, it is expected to disrupt the last 37 amino acid(s) of the KCNA5 protein. This variant is present in population databases (rs767881978, gnomAD 0.02%). This variant has not been reported in the literature in individuals affected with KCNA5-related conditions. ClinVar contains an entry for this variant (Variation ID: 573045). In summary, the available evidence is currently insufficient to determine the role of this variant in disease. Therefore, it has been classified as a Variant of Uncertain Significance.

NM_002234.4(KCNA5):c.1729C>T (p.Arg577Ter)

Gene: KCNA5 (potassium voltage-gated channel subfamily A member 5; plus strand). Cytogenetic location: 12p13.32.
Variant type: single nucleotide variant.
Coding change: c.1729C>T on transcript NM_002234.4 (MANE Select); coding-DNA position 1729, C replaced by T.
Protein change: p.Arg577Ter; replaces arginine 577 with a stop codon.
Molecular consequence: nonsense.
Genome position (GRCh38, 1-based): chr12:5,045,876, C>T. VCF-style: chr12-5045876-C-T. GRCh37 (hg19) VCF-style: chr12-5155042-C-T.
Other names: short protein forms R577*.
Identifiers: ClinVar variation 573045 (VCV000573045.8), dbSNP rs767881978, ClinGen allele CA6399934.